The following is an entry in ClinVar:

ClinVar aggregate classification (germline): Likely benign. Review status: criteria provided, multiple submitters, no conflicts (2 of 4 stars). 3 submissions from 3 submitters: Likely benign (3). Last evaluated 2026-04-15.

Conditions:
DST-related disorder. Also called: DST-related condition; DST-related disorders.
Hereditary sensory and autonomic neuropathy type 6. Also called: Neuropathy, hereditary sensory and autonomic, type VI; HSAN VI. Identifiers: Orphanet 314381, MedGen C3539003, MONDO:0013839, OMIM 614653.
Epidermolysis bullosa simplex 3, localized or generalized intermediate, with BP230 deficiency (EBS3). Also called: Epidermolysis bullosa simplex due to BP230 deficiency; Epidermolysis bullosa simplex, autosomal recessive 2. Identifiers: Orphanet 412181, MedGen C3809470, MONDO:0014180, OMIM 615425.

Allele frequency attached by ClinVar (database versions not stated): gnomAD 0.00009 and 0.00010; ExAC 0.00004; gnomAD exomes 0.00006 and 0.00015; ESP Exome Variant Server 0.00008; TOPMed 0.00008.
gnomAD v4.1: 228 of 1,613,886 alleles (0.014%); highest among the groups gnomAD compares: Non-Finnish European, 0.018%; no homozygotes.

Submissions (3):

PreventionGenetics, part of Exact Sciences
Classification: Likely benign for DST-related condition. Last evaluated: 2026-04-15. Review status: criteria provided, single submitter. Criteria: ACMG Guidelines, 2015. Collection method: clinical testing. Allele origin: germline.
Comment: This variant is classified as likely benign based on ACMG/AMP sequence variant interpretation guidelines (Richards et al. 2015 PMID: 25741868, with internal and published modifications).

CeGaT Center for Human Genetics Tuebingen
Classification: Likely benign. Last evaluated: 2026-03-01. Review status: criteria provided, single submitter. Criteria: CeGaT Center For Human Genetics Tuebingen Variant Classification Criteria Version 2. Collection method: clinical testing. Allele origin: germline. Affected: yes. Observed: 2 variant alleles.
Comment: DST: BP4, BP7

Labcorp Genetics (formerly Invitae), Labcorp
Classification: Likely benign for Epidermolysis bullosa simplex 3, localized or generalized intermediate, with BP230 deficiency; Hereditary sensory and autonomic neuropathy type 6. Last evaluated: 2025-12-09. Review status: criteria provided, single submitter. Criteria: Invitae Variant Classification Sherloc (09022015). Collection method: clinical testing. Allele origin: germline.

NM_001374736.1(DST):c.23079A>G (p.Pro7693=)

Gene: DST (dystonin; minus strand). Cytogenetic location: 6p12.1.
Variant type: single nucleotide variant.
Coding change: c.23079A>G on transcript NM_001374736.1 (MANE Select); coding-DNA position 23079, A replaced by G.
Protein change: p.Pro7693=; no amino-acid change (proline 7693 retained).
Molecular consequence: synonymous variant.
Genome position (GRCh38, 1-based): chr6:56,460,246, T>C on the plus strand (A>G on the coding strand, the complement: DST is on the minus strand). VCF-style: chr6-56460246-T-C. GRCh37 (hg19) VCF-style: chr6-56325044-T-C.
Other names: c.16650A>G, p.Pro5550= (NM_001144769.5); c.16236A>G, p.Pro5412= (NM_001144770.2); c.23007A>G, p.Pro7669= (NM_001374722.1); c.22008A>G, p.Pro7336= (NM_001374729.1); c.15750A>G, p.Pro5250= (NM_001374730.1); c.23034A>G, p.Pro7678= (NM_001374734.1); c.16098A>G, p.Pro5366= (NM_001386100.1); c.15138A>G, p.Pro5046= (NM_015548.5); and 2 more.
Identifiers: ClinVar variation 1096682 (VCV001096682.23), dbSNP rs370496665, ClinGen allele CA3866034.